The following is an entry in ClinVar:

NM_001048174.2(MUTYH):c.1336C>G (p.Arg446Gly)

Gene: MUTYH (mutY DNA glycosylase; minus strand). Cytogenetic location: 1p34.1.
Variant type: single nucleotide variant.
Coding change: c.1336C>G on transcript NM_001048174.2 (MANE Select); coding-DNA position 1336, C replaced by G.
Protein change: p.Arg446Gly; replaces arginine 446 with glycine.
Molecular consequence: missense variant. On other transcripts: non-coding transcript variant (7).
Genome position (GRCh38, 1-based): chr1:45,331,238, G>C on the plus strand (C>G on the coding strand, the complement: MUTYH is on the minus strand). VCF-style: chr1-45331238-G-C. GRCh37 (hg19) VCF-style: chr1-45796910-G-C.
Other names: c.1336C>G, p.Arg446Gly (NM_001407089.1, NM_001407088.1, NM_001048171.2 and 6 more transcripts); c.1060C>G, p.Arg354Gly (NM_001407091.1, NM_001293192.2, NM_001293196.2); c.1411C>G, p.Arg471Gly (NM_012222.3); c.1357C>G, p.Arg453Gly (NM_001407087.1); c.1339C>G, p.Arg447Gly (NM_001048172.2, NM_001407071.1, NM_001407078.1 and 1 more transcripts); c.1420C>G, p.Arg474Gly (NM_001128425.2); c.1381C>G, p.Arg461Gly (NM_001293190.2); c.1369C>G, p.Arg457Gly (NM_001293191.2, NM_001407069.1, NM_001407077.1); and 5 more; short protein forms R331G, R418G, R446G, R471G, R474G, R354G, R433G, R447G.
Identifiers: ClinVar variation 3650310 (VCV003650310.2).
Genomic context (GRCh38, chr1:45,331,238, plus strand): 5'-GTGCCTTTTTCATGGCGGTGGAAACAGCTGCGGTGTGAAATTCCTCCTGCGTCAGCCAGC[G>C]AGCACCTGGTGGTACGGTGGTCACTGGGGTCTGCCCTTCCAAGGCCAGCCCATATACTTG-3'
Protein context (NP_001041639.1, residues 436-456): TPVTTVPPGA[Arg446Gly]WLTQEEFHTA

ClinVar aggregate classification (germline): Uncertain significance (1 of 4 stars; one submission).

Conditions:
Familial adenomatous polyposis 2. Also called: FAP type 2; COLORECTAL ADENOMATOUS POLYPOSIS, AUTOSOMAL RECESSIVE; ADENOMAS, MULTIPLE COLORECTAL, AUTOSOMAL RECESSIVE; MYH-associated polyposis; Adenomas, multiple colorectal; MUTYH-associated polyposis. Identifiers: Orphanet 220460, Orphanet 247798, MedGen C3272841, MONDO:0012041, OMIM 608456.

Submission:

Labcorp Genetics (formerly Invitae), Labcorp
Classification: Uncertain significance for Familial adenomatous polyposis 2. Last evaluated: 2025-08-13. Review status: criteria provided, single submitter. Criteria: Invitae Variant Classification Sherloc (09022015). Collection method: clinical testing. Allele origin: germline.
Comment: This sequence change replaces arginine, which is basic and polar, with glycine, which is neutral and non-polar, at codon 474 of the MUTYH protein (p.Arg474Gly). This variant is not present in population databases (gnomAD no frequency). This variant has not been reported in the literature in individuals affected with MUTYH-related conditions. ClinVar contains an entry for this variant (Variation ID: 3650310). An algorithm developed to predict the effect of missense changes on protein structure and function (PolyPhen-2) suggests that this variant is likely to be disruptive. In summary, the available evidence is currently insufficient to determine the role of this variant in disease. Therefore, it has been classified as a Variant of Uncertain Significance.